The following is an entry in ClinVar:

NM_001377142.1(PLCB4):c.1138T>C (p.Cys380Arg)

Gene: PLCB4 (phospholipase C beta 4; plus strand). Cytogenetic location: 20p12.2.
Variant type: single nucleotide variant.
Coding change: c.1138T>C on transcript NM_001377142.1 (MANE Select); coding-DNA position 1138, T replaced by C.
Protein change: p.Cys380Arg; replaces cysteine 380 with arginine.
Molecular consequence: missense variant.
Genome position (GRCh38, 1-based): chr20:9,387,536, T>C. VCF-style: chr20-9387536-T-C. GRCh37 (hg19) VCF-style: chr20-9368183-T-C.
Other names: c.1138T>C, p.Cys380Arg (NM_000933.4, NM_001172646.2, NM_001377134.2 and 4 more transcripts); short protein forms C380R.
Identifiers: ClinVar variation 2632555 (VCV002632555.2), dbSNP rs2515525462, ClinGen allele CA408217597.
Genomic context (GRCh38, chr20:9,387,536, plus strand): 5'-GACTGCTGGGATGGAAAAGGTGAAGACCAAGAACCAATAATAACTCATGGAAAAGCAATG[T>C]GTACAGATATCCTTTTTAAGGTAACTTTAAAAATAATTACACAGACTTTTCCAAACTCTG-3'
Protein context (NP_001364071.1, residues 370-390): EPIITHGKAM[Cys380Arg]TDILFKDVIQ

ClinVar aggregate classification (germline): Uncertain significance (0 of 4 stars; one submission).

Conditions:
PLCB4-related disorder. Also called: PLCB4-related condition.

Submission:

PreventionGenetics, part of Exact Sciences
Classification: Uncertain significance for PLCB4-related condition. Last evaluated: 2024-09-03. Review status: no assertion criteria provided. Collection method: clinical testing. Allele origin: germline.
Comment: The PLCB4 c.1138T>C variant is predicted to result in the amino acid substitution p.Cys380Arg. To our knowledge, this variant has not been reported in the literature or in a large population database, indicating this variant is rare. At this time, the clinical significance of this variant is uncertain due to the absence of conclusive functional and genetic evidence.